The following is an entry in ClinVar:

NM_004380.3(CREBBP):c.6549G>A (p.Ala2183=)

Gene: CREBBP (CREB binding lysine acetyltransferase; minus strand). Cytogenetic location: 16p13.3.
Variant type: single nucleotide variant.
Coding change: c.6549G>A on transcript NM_004380.3 (MANE Select); coding-DNA position 6549, G replaced by A.
Protein change: p.Ala2183=; no amino-acid change (alanine 2183 retained).
Molecular consequence: synonymous variant.
Genome position (GRCh38, 1-based): chr16:3,728,498, C>T on the plus strand (G>A on the coding strand, the complement: CREBBP is on the minus strand). VCF-style: chr16-3728498-C-T. GRCh37 (hg19) VCF-style: chr16-3778499-C-T.
Other names: c.6435G>A, p.Ala2145= (NM_001079846.1).
Identifiers: ClinVar variation 716596 (VCV000716596.7), dbSNP rs1348561145, ClinGen allele CA493393606.

ClinVar aggregate classification (germline): Likely benign. Review status: criteria provided, single submitter (1 of 4 stars). 2 submissions from 2 submitters: Likely benign (1). 1 of the submissions does not count toward it. Last evaluated 2025-10-20.

Conditions:
CREBBP-related disorder. Also called: CREBBP-related condition; CREBBP-related disorders.
Rubinstein-Taybi syndrome (RSTS). Identifiers: Orphanet 783, MedGen C0035934, MONDO:0019188.

Allele frequency attached by ClinVar (database versions not stated): gnomAD exomes below 0.00001; TOPMed 0.00001; gnomAD 0.00003.
gnomAD v4.1: 15 of 1,613,930 alleles (0.00093%); highest among the groups gnomAD compares: African/African-American, 0.0053%; no homozygotes.

Submissions (2):

Labcorp Genetics (formerly Invitae), Labcorp
Classification: Likely benign for Rubinstein-Taybi syndrome. Last evaluated: 2025-10-20. Review status: criteria provided, single submitter. Criteria: Invitae Variant Classification Sherloc (09022015). Collection method: clinical testing. Allele origin: germline.

PreventionGenetics, part of Exact Sciences
Classification: Likely benign for CREBBP-related condition. Last evaluated: 2023-11-09. Review status: no assertion criteria provided. Collection method: clinical testing. Allele origin: germline. Not counted in ClinVar's aggregate classification.
Comment: This variant is classified as likely benign based on ACMG/AMP sequence variant interpretation guidelines (Richards et al. 2015 PMID: 25741868, with internal and published modifications).